The following is an entry in ClinVar:

NM_001358530.2(MOCS1):c.524T>A (p.Ile175Asn)

Gene: MOCS1 (molybdenum cofactor synthesis 1; minus strand). Cytogenetic location: 6p21.2.
Variant type: single nucleotide variant.
Coding change: c.524T>A on transcript NM_001358530.2 (MANE Select); coding-DNA position 524, T replaced by A.
Protein change: p.Ile175Asn; replaces isoleucine 175 with asparagine.
Molecular consequence: missense variant. On other transcripts: non-coding transcript variant (1).
Genome position (GRCh38, 1-based): chr6:39,916,127, A>T on the plus strand (T>A on the coding strand, the complement: MOCS1 is on the minus strand). VCF-style: chr6-39916127-A-T. GRCh37 (hg19) VCF-style: chr6-39883871-A-T.
Other names: c.524T>A, p.Ile175Asn (NM_001075098.4, NM_001358529.2, NM_005943.6); c.263T>A, p.Ile88Asn (NM_001358531.2, NM_001358533.2, NM_001358534.2); short protein forms I175N, I88N.
Identifiers: ClinVar variation 2120457 (VCV002120457.1), dbSNP rs1383420237, ClinGen allele CA364044398.

ClinVar aggregate classification (germline): Uncertain significance (1 of 4 stars; one submission).

Conditions:
Sulfite oxidase deficiency due to molybdenum cofactor deficiency type A. Also called: Molybdenum cofactor deficiency, complementation group A; Molybdenum Cofactor Deficiency A. Identifiers: Orphanet 308386, Orphanet 833, MedGen C1854988, MONDO:0009643, OMIM 252150.

gnomAD v4.1: 1 of 1,613,938 alleles (0.000062%); highest among the groups gnomAD compares: Non-Finnish European, 0.000085%; no homozygotes.

Submission:

Labcorp Genetics (formerly Invitae), Labcorp
Classification: Uncertain significance for Sulfite oxidase deficiency due to molybdenum cofactor deficiency type A. Last evaluated: 2022-04-01. Review status: criteria provided, single submitter. Criteria: Invitae Variant Classification Sherloc (09022015). Collection method: clinical testing. Allele origin: germline.
Comment: This sequence change replaces isoleucine, which is neutral and non-polar, with asparagine, which is neutral and polar, at codon 175 of the MOCS1 protein (p.Ile175Asn). This variant is not present in population databases (gnomAD no frequency). This variant has not been reported in the literature in individuals affected with MOCS1-related conditions. Algorithms developed to predict the effect of missense changes on protein structure and function are either unavailable or do not agree on the potential impact of this missense change (SIFT: "Not Available"; PolyPhen-2: "Probably Damaging"; Align-GVGD: "Not Available"). In summary, the available evidence is currently insufficient to determine the role of this variant in disease. Therefore, it has been classified as a Variant of Uncertain Significance.